The following is an entry in ClinVar:

NM_025074.7(FRAS1):c.748_758del (p.Arg250fs)

Gene: FRAS1 (Fraser extracellular matrix complex subunit 1; plus strand). Cytogenetic location: 4q21.21.
Variant type: Deletion.
Coding change: c.748_758del on transcript NM_025074.7 (MANE Select); coding-DNA positions 748 to 758, 11 bases deleted (AGGTGTCACAA).
Protein change: p.Arg250fs; shifts the reading frame from arginine 250.
Molecular consequence: frameshift variant.
Genome position (GRCh38, 1-based): chr4:78,266,894-78,266,904, AGGTGTCACAA deleted. VCF-style (leftmost placement, unchanged base first): chr4-78266893-CAGGTGTCACAA-C. GRCh37 (hg19) VCF-style: chr4-79188047-CAGGTGTCACAA-C.
Other names: c.748_758del, p.Arg250fs (NM_001166133.2); short protein forms R250fs.
Identifiers: ClinVar variation 2785145 (VCV002785145.4), dbSNP rs2476540252, ClinGen allele CA2578122979.
Genomic context (GRCh38, chr4:78,266,893, plus strand): 5'-GCATGGTGAGCAGTGGAGCGAAAATGCCTGCACCACGTGTATATGTGACCGGGGTGAGGT[CAGGTGTCACAA>C]GCAGGCCTGCCTGCCCCTGAGATGCGGAAAGGTATTTGAGAGTGTGTACCTTACTTGTTT-3'

ClinVar aggregate classification (germline): Pathogenic/Likely pathogenic. Review status: criteria provided, multiple submitters, no conflicts (2 of 4 stars). 2 submissions from 2 submitters: Pathogenic (1); Likely pathogenic (1). Last evaluated 2024-04-08.

Conditions:
Fraser syndrome 1 (FRASRS1). Also called: CRYPTOPHTHALMOS WITH OTHER MALFORMATIONS. Identifiers: Orphanet 2052, MedGen C4551480, MONDO:0054737, OMIM 219000.

Submissions (2):

Fulgent Genetics
Classification: Likely pathogenic for Fraser syndrome 1. Last evaluated: 2024-04-08. Review status: criteria provided, single submitter. Criteria: ACMG Guidelines, 2015. Collection method: clinical testing. Allele origin: germline.

Labcorp Genetics (formerly Invitae), Labcorp
Classification: Pathogenic. Last evaluated: 2023-08-23. Review status: criteria provided, single submitter. Criteria: Invitae Variant Classification Sherloc (09022015). Collection method: clinical testing. Allele origin: germline.
Comment: For these reasons, this variant has been classified as Pathogenic. This variant has not been reported in the literature in individuals affected with FRAS1-related conditions. This variant is not present in population databases (gnomAD no frequency). This sequence change creates a premature translational stop signal (p.Arg250Alafs*23) in the FRAS1 gene. It is expected to result in an absent or disrupted protein product. Loss-of-function variants in FRAS1 are known to be pathogenic (PMID: 12766769, 18671281).

Literature cited by the submitters: PubMed 12766769 (cited by Labcorp Genetics (formerly Invitae), Labcorp); PubMed 18671281 (cited by Labcorp Genetics (formerly Invitae), Labcorp).